The following is an entry in ClinVar:

ClinVar aggregate classification (germline): Pathogenic/Likely pathogenic. Review status: criteria provided, multiple submitters, no conflicts (2 of 4 stars). 4 submissions from 4 submitters: Pathogenic (1); Likely pathogenic (3). Last evaluated 2026-03-24.

Conditions:
Inborn genetic diseases. Identifiers: MedGen C0950123, MeSH D030342.
Bosch-Boonstra-Schaaf optic atrophy syndrome (BBSOAS). Also called: NR2F1-Related Neurodevelopmental Disorder. Identifiers: Orphanet 401777, MedGen C3810363, MONDO:0014320, OMIM 615722.

Submissions (4):

Institute of Human Genetics, University of Leipzig Medical Center
Classification: Likely pathogenic for Bosch-Boonstra-Schaaf optic atrophy syndrome. Last evaluated: 2026-03-24. Review status: criteria provided, single submitter. Criteria: ACMG Guidelines, 2015. Collection method: clinical testing. Allele origin: de novo. Inheritance: Autosomal dominant inheritance. Affected: yes.

3billion
Classification: Likely pathogenic for Bosch-Boonstra-Schaaf optic atrophy syndrome. Last evaluated: 2025-07-16. Review status: criteria provided, single submitter. Criteria: ACMG Guidelines, 2015. Collection method: clinical testing. Allele origin: germline. Affected: yes.
Comment: The variant is not observed in the gnomAD v4.1.0 dataset. Predicted Consequence/Location: The variant is located in a mutational hot spot and/or well-established functional domain in which established pathogenic variants have been reported. In silico tool predictions suggest damaging effect of the variant on gene or gene product [REVEL: 0.94 (>=0.6, sensitivity 0.68 and specificity 0.92); 3Cnet: 0.99 (> 0.75, sensitivity 0.96 and precision 0.92)]. The same nucleotide change resulting in the same amino acid change has been previously reported to be associated with NR2F1-related disorder (PMID: 32827528). A different missense change at the same codon (p.Cys146Arg) has been reported to be associated with NR2F1-related disorder (PMID: 26986877). Therefore, this variant is classified as Likely pathogenic according to the recommendation of ACMG/AMP guideline.

Ambry Genetics
Classification: Likely pathogenic for Inborn genetic diseases. Last evaluated: 2025-07-02. Review status: criteria provided, single submitter. Criteria: Ambry Variant Classification Scheme 2023. Collection method: clinical testing. Allele origin: germline.
Comment: The c.437G>A (p.C146Y) alteration is located in exon 1 (coding exon 1) of the NR2F1 gene. This alteration results from a G to A substitution at nucleotide position 437, causing the cysteine (C) at amino acid position 146 to be replaced by a tyrosine (Y). This variant was not reported in population-based cohorts in the Genome Aggregation Database (gnomAD). This variant was reported in individual(s) with features consistent with Bosch-Boonstra-Schaaf optic atrophy syndrome; in at least one individual, it was determined to be de novo (Naess, 2021; Kocaaga, 2022). Other variant(s) at the same codon, c.436T>C (p.C146R), have been identified in individual(s) with features consistent with Bosch-Boonstra-Schaaf optic atrophy syndrome (Chen, 2016). This missense alteration is located in a region that has a low rate of benign missense variation (Lek, 2016; Firth, 2009). This alteration is predicted to be deleterious by in silico analysis. Based on the available evidence, this alteration is classified as likely pathogenic.

Centre for Inherited Metabolic Diseases, Karolinska University Hospital
Classification: Pathogenic for Bosch-Boonstra-Schaaf optic atrophy syndrome. Last evaluated: 2024-03-11. Review status: criteria provided, single submitter. Criteria: ACMG Guidelines, 2015. Collection method: clinical testing. Allele origin: de novo. Inheritance: Autosomal dominant inheritance. Affected: yes. Observed: 1 heterozygote.

Literature cited by the submitters: PubMed 26986877 (cited by 3billion and Ambry Genetics); PubMed 32827528 (cited by 3billion and Ambry Genetics); PubMed 33726816 (cited by Ambry Genetics); PubMed 35791240 (cited by Ambry Genetics).

NM_005654.6(NR2F1):c.437G>A (p.Cys146Tyr)

Genes: NR2F1 (nuclear receptor subfamily 2 group F member 1; plus strand), NR2F1-AS1 (NR2F1 regulatory antisense RNA 1; minus strand). Cytogenetic location: 5q15.
Variant type: single nucleotide variant.
Coding change: c.437G>A on transcript NM_005654.6 (MANE Select); coding-DNA position 437, G replaced by A.
Protein change: p.Cys146Tyr; replaces cysteine 146 with tyrosine.
Molecular consequence: missense variant.
Genome position (GRCh38, 1-based): chr5:93,585,460, G>A. VCF-style: chr5-93585460-G-A. GRCh37 (hg19) VCF-style: chr5-92921166-G-A.
Other names: c.437G>A (NM_005654.4); short protein forms C146Y.
Identifiers: ClinVar variation 976204 (VCV000976204.5), dbSNP rs1753213218, ClinGen allele CA360526289.
Genomic context (GRCh38, chr5:93,585,460, plus strand): 5'-GGAACTGTCCCATCGACCAGCACCACCGCAACCAGTGCCAATACTGCCGCCTCAAGAAGT[G>A]CCTCAAAGTGGGCATGAGGCGGGAAGGTGAATATTTCTTCTCTGCTTCTCTCCCCGCGCT-3'
Protein context (NP_005645.1, residues 136-156): NQCQYCRLKK[Cys146Tyr]LKVGMRREAV